The following is an entry in ClinVar:

ClinVar aggregate classification (germline): Likely benign. Review status: criteria provided, single submitter (1 of 4 stars). 2 submissions from 2 submitters: Likely benign (1). 1 of the submissions does not count toward it. Last evaluated 2026-01-22.

Conditions:
HOMER2-related disorder. Also called: HOMER2-related condition.

Allele frequency attached by ClinVar (database versions not stated): gnomAD exomes 0.00001; gnomAD 0.00010; ExAC 0.00012; TOPMed 0.00018.
gnomAD v4.1: 41 of 1,570,260 alleles (0.0026%); highest among the groups gnomAD compares: African/African-American, 0.022%; no homozygotes.

Submissions (2):

Labcorp Genetics (formerly Invitae), Labcorp
Classification: Likely benign. Last evaluated: 2026-01-22. Review status: criteria provided, single submitter. Criteria: Invitae Variant Classification Sherloc (09022015). Collection method: clinical testing. Allele origin: germline.

PreventionGenetics, part of Exact Sciences
Classification: Likely benign for HOMER2-related condition. Last evaluated: 2019-03-20. Review status: no assertion criteria provided. Collection method: clinical testing. Allele origin: germline. Not counted in ClinVar's aggregate classification.
Comment: This variant is classified as likely benign based on ACMG/AMP sequence variant interpretation guidelines (Richards et al. 2015 PMID: 25741868, with internal and published modifications).

NM_004839.4(HOMER2):c.843+9G>A

Gene: HOMER2 (homer scaffold protein 2; minus strand). Cytogenetic location: 15q25.2.
Variant type: single nucleotide variant.
Coding change: c.843+9G>A on transcript NM_004839.4 (MANE Select); 9 bases into the intron after coding-DNA position 843, G replaced by A.
Molecular consequence: intron variant.
Genome position (GRCh38, 1-based): chr15:82,851,142, C>T on the plus strand (G>A on the coding strand, the complement: HOMER2 is on the minus strand). VCF-style: chr15-82851142-C-T. GRCh37 (hg19) VCF-style: chr15-83519894-C-T.
Other names: c.876+9G>A (NM_199330.3).
Identifiers: ClinVar variation 3057749 (VCV003057749.3), dbSNP rs767516680, ClinGen allele CA7701990.
Genomic context (GRCh38, chr15:82,851,142, plus strand): 5'-GAAAATGAGTACCATGACATTTGTGCCTTCTTGTCTGAGCCAGGATGGCTGTGCCCCCAA[C>T]CCACGTACCTCTAGCTTCTCAGAGACATATTCGCACTCTGACATGAGCTGAGGTATGATT-3'